The following is an entry in ClinVar:

NM_014915.3(ANKRD26):c.4792T>C (p.Phe1598Leu)

Gene: ANKRD26 (ankyrin repeat domain 26; minus strand). Cytogenetic location: 10p12.1.
Variant type: single nucleotide variant.
Coding change: c.4792T>C on transcript NM_014915.3 (MANE Select); coding-DNA position 4792, T replaced by C.
Protein change: p.Phe1598Leu; replaces phenylalanine 1598 with leucine.
Molecular consequence: missense variant.
Genome position (GRCh38, 1-based): chr10:27,013,043, A>G on the plus strand (T>C on the coding strand, the complement: ANKRD26 is on the minus strand). VCF-style: chr10-27013043-A-G. GRCh37 (hg19) VCF-style: chr10-27301972-A-G.
Other names: c.4789T>C, p.Phe1597Leu (NM_001256053.2); short protein forms F1597L, F1598L.
Identifiers: ClinVar variation 3397330 (VCV003397330.2).

ClinVar aggregate classification (germline): Conflicting classifications of pathogenicity. Review status: criteria provided, conflicting classifications (1 of 4 stars). 2 submissions from 2 submitters: Uncertain significance (1); Likely benign (1). Last evaluated 2025-12-18.

Conditions:
Inborn genetic diseases. Identifiers: MedGen C0950123, MeSH D030342.

gnomAD v4.1: 1 of 1,614,060 alleles (0.000062%); highest among the groups gnomAD compares: Non-Finnish European, 0.000085%; no homozygotes.

Submissions (2):

Labcorp Genetics (formerly Invitae), Labcorp
Classification: Uncertain significance. Last evaluated: 2025-12-18. Review status: criteria provided, single submitter. Criteria: Invitae Variant Classification Sherloc (09022015). Collection method: clinical testing. Allele origin: germline.
Comment: This sequence change replaces phenylalanine, which is neutral and non-polar, with leucine, which is neutral and non-polar, at codon 1598 of the ANKRD26 protein (p.Phe1598Leu). This variant is present in population databases (no rsID available, gnomAD 0.0009%). This variant has not been reported in the literature in individuals affected with ANKRD26-related conditions. ClinVar contains an entry for this variant (Variation ID: 3397330). An algorithm developed to predict the effect of missense changes on protein structure and function outputs the following: PolyPhen-2: "Benign". The leucine amino acid residue is found in multiple mammalian species, which suggests that this missense change does not adversely affect protein function. In summary, the available evidence is currently insufficient to determine the role of this variant in disease. Therefore, it has been classified as a Variant of Uncertain Significance.

Ambry Genetics
Classification: Likely benign for Inborn genetic diseases. Last evaluated: 2024-12-09. Review status: criteria provided, single submitter. Criteria: Ambry Variant Classification Scheme 2023. Collection method: clinical testing. Allele origin: germline.